The following is an entry in ClinVar:

NM_145886.4(PIDD1):c.71A>G (p.Asp24Gly)

Gene: PIDD1 (p53-induced death domain protein 1; minus strand). Cytogenetic location: 11p15.5.
Variant type: single nucleotide variant.
Coding change: c.71A>G on transcript NM_145886.4 (MANE Select); coding-DNA position 71, A replaced by G.
Protein change: p.Asp24Gly; replaces aspartic acid 24 with glycine.
Molecular consequence: missense variant.
Genome position (GRCh38, 1-based): chr11:804,318, T>C on the plus strand (A>G on the coding strand, the complement: PIDD1 is on the minus strand). VCF-style: chr11-804318-T-C. GRCh37 (hg19) VCF-style: chr11-804318-T-C.
Other names: c.71A>G, p.Asp24Gly (NM_145887.4); short protein forms D24G.
Identifiers: ClinVar variation 2682438 (VCV002682438.1), dbSNP rs979081979, ClinGen allele CA216953438.

ClinVar aggregate classification (germline): Uncertain significance (1 of 4 stars; one submission).

Allele frequency attached by ClinVar (database versions not stated): gnomAD 0.00001; TOPMed 0.00001.

Submission:

Women's Health and Genetics/Laboratory Corporation of America, LabCorp
Classification: Uncertain significance. Last evaluated: 2023-11-09. Review status: criteria provided, single submitter. Criteria: LabCorp Variant Classification Summary - May 2015. Collection method: clinical testing. Allele origin: germline.
Comment: Variant summary: LRDD c.71A>G (p.Asp24Gly) results in a non-conservative amino acid change in the encoded protein sequence. Four of five in-silico tools predict a benign effect of the variant on protein function. The variant allele was found at a frequency of 4.1e-06 in 246470 control chromosomes. The available data on variant occurrences in the general population are insufficient to allow any conclusion about variant significance. To our knowledge, no occurrence of c.71A>G in individuals affected with Intellectual Developmental Disorder, Autosomal Recessive 75, With Neuropsychiatric Features And Variant Lissencephaly and no experimental evidence demonstrating its impact on protein function have been reported. No submitters have cited clinical-significance assessments for this variant to ClinVar after 2014. Based on the evidence outlined above, the variant was classified as uncertain significance.